The following is an entry in ClinVar:

NM_001999.4(FBN2):c.6007G>A (p.Glu2003Lys)

Gene: FBN2 (fibrillin 2; minus strand). Cytogenetic location: 5q23.3.
Variant type: single nucleotide variant.
Coding change: c.6007G>A on transcript NM_001999.4 (MANE Select); coding-DNA position 6007, G replaced by A.
Protein change: p.Glu2003Lys; replaces glutamic acid 2003 with lysine.
Molecular consequence: missense variant.
Genome position (GRCh38, 1-based): chr5:128,301,421, C>T on the plus strand (G>A on the coding strand, the complement: FBN2 is on the minus strand). VCF-style: chr5-128301421-C-T. GRCh37 (hg19) VCF-style: chr5-127637113-C-T.
Other names: short protein forms E2003K.
Identifiers: ClinVar variation 528420 (VCV000528420.16), dbSNP rs995323393, ClinGen allele CA127043821.

ClinVar aggregate classification (germline): Conflicting classifications of pathogenicity. Review status: criteria provided, conflicting classifications (1 of 4 stars). 3 submissions from 3 submitters: Uncertain significance (1); Benign (1). 1 of the submissions does not count toward it. Last evaluated 2025-07-08.

Conditions:
Neurodevelopmental abnormality. Identifiers: MedGen C4022737, HP:0012759.
Familial thoracic aortic aneurysm and aortic dissection (TAAD). Also called: Thoracic aortic aneurysms and dissections. Identifiers: Orphanet 91387, MedGen C4707243, MONDO:0019625.
Congenital contractural arachnodactyly (CCA). Also called: Beals-Hecht syndrome; BEALS SYNDROME; Arthrogryposis, distal, type 9. Identifiers: Orphanet 115, MedGen C0220668, MONDO:0007363, OMIM 121050.

Allele frequency attached by ClinVar (database versions not stated): gnomAD exomes 0.00001; TOPMed 0.00002; gnomAD 0.00003.
gnomAD v4.1: 11 of 1,613,174 alleles (0.00068%); highest among the groups gnomAD compares: African/African-American, 0.008%; no homozygotes.

Submissions (3):

Labcorp Genetics (formerly Invitae), Labcorp
Classification: Benign for Congenital contractural arachnodactyly. Last evaluated: 2025-07-08. Review status: criteria provided, single submitter. Criteria: Invitae Variant Classification Sherloc (09022015). Collection method: clinical testing. Allele origin: germline.

Ambry Genetics
Classification: Uncertain significance for Familial thoracic aortic aneurysm and aortic dissection. Last evaluated: 2018-08-09. Review status: criteria provided, single submitter. Criteria: Ambry Variant Classification Scheme 2023. Collection method: clinical testing. Allele origin: germline.
Comment: The p.E2003K variant (also known as c.6007G>A), located in coding exon 47 of the FBN2 gene, results from a G to A substitution at nucleotide position 6007. The glutamic acid at codon 2003 is replaced by lysine, an amino acid with similar properties. This amino acid position is well conserved in available vertebrate species. In addition, this alteration is predicted to be deleterious by in silico analysis. Since supporting evidence is limited at this time, the clinical significance of this alteration remains unclear.

Department of Genetics, Rouen University Hospital, Normandy Center for Genomic and Personalized Medicine
Classification: Likely benign for Neurodevelopmental abnormality. Last evaluated: 2020-04-03. Review status: no assertion criteria provided. Collection method: clinical testing. Allele origin: maternal. Affected: yes. Not counted in ClinVar's aggregate classification.